The following is an entry in ClinVar:

ClinVar aggregate classification (germline): Uncertain significance (1 of 4 stars; one submission).

Conditions:
Developmental and epileptic encephalopathy, 31A. Also called: Epileptic encephalopathy, early infantile, 31; Developmental and epileptic encephalopathy, 31. Identifiers: Orphanet 2382, MedGen C4225357, MONDO:0014598, OMIM 616346.

Submission:

Labcorp Genetics (formerly Invitae), Labcorp
Classification: Uncertain significance for Developmental and epileptic encephalopathy, 31A. Last evaluated: 2025-07-02. Review status: criteria provided, single submitter. Criteria: Invitae Variant Classification Sherloc (09022015). Collection method: clinical testing. Allele origin: germline.
Comment: This sequence change falls in intron 3 of the DNM1 gene. It does not directly change the encoded amino acid sequence of the DNM1 protein. This variant is not present in population databases (gnomAD no frequency). This variant has not been reported in the literature in individuals affected with DNM1-related conditions. Algorithms developed to predict the effect of sequence changes on RNA splicing suggest that this variant may disrupt the consensus splice site. In summary, the available evidence is currently insufficient to determine the role of this variant in disease. Therefore, it has been classified as a Variant of Uncertain Significance.

NM_004408.4(DNM1):c.386-9C>G

Genes: DNM1 (dynamin 1; plus strand), LOC113839516 (Sharpr-MPRA regulatory region 8497; plus strand). Cytogenetic location: 9q34.11.
Variant type: single nucleotide variant.
Coding change: c.386-9C>G on transcript NM_004408.4 (MANE Select); 9 bases into the intron before coding-DNA position 386, C replaced by G.
Molecular consequence: intron variant.
Genome position (GRCh38, 1-based): chr9:128,219,040, C>G. VCF-style: chr9-128219040-C-G. GRCh37 (hg19) VCF-style: chr9-130981319-C-G.
Other names: c.386-9C>G (NM_001005336.3, NM_001374269.1, NM_001288738.2 and 2 more transcripts).
Identifiers: ClinVar variation 4711543 (VCV004711543.1).